The following is an entry in ClinVar:

NC_000005.9:g.(?_92920730)_(92929548_?)dup

Gene: NR2F1 (nuclear receptor subfamily 2 group F member 1; plus strand). Cytogenetic location: 5q15.
Variant type: Duplication.
Identifiers: ClinVar variation 2425395 (VCV002425395.4).

ClinVar aggregate classification (germline): Uncertain significance (1 of 4 stars; one submission).

Submission:

Labcorp Genetics (formerly Invitae), Labcorp
Classification: Uncertain significance. Last evaluated: 2022-08-08. Review status: criteria provided, single submitter. Criteria: Invitae Variant Classification Sherloc (09022015). Collection method: clinical testing. Allele origin: germline.
Comment: In summary, the available evidence is currently insufficient to determine the role of this variant in disease. Therefore, it has been classified as a Variant of Uncertain Significance. This variant has not been reported in the literature in individuals affected with NR2F1-related conditions. A copy number gain of the genomic region encompassing the full coding sequence of the NR2F1 gene has been identified. The boundaries of this event are unknown as they extend beyond the assayed region for this gene and therefore may encompass additional genes. As the precise location of this event is unknown, it may be in tandem or it may be located elsewhere in the genome.